The following is an entry in ClinVar:

ClinVar aggregate classification (germline): Uncertain significance (1 of 4 stars; one submission).

Conditions:
Multiple endocrine neoplasia, type 2 (MEN2). Identifiers: Orphanet 653, MedGen C4048306, MONDO:0019003. Disease mechanism: gain of function.

Submission:

Labcorp Genetics (formerly Invitae), Labcorp
Classification: Uncertain significance for Multiple endocrine neoplasia, type 2. Last evaluated: 2024-11-04. Review status: criteria provided, single submitter. Criteria: Invitae Variant Classification Sherloc (09022015). Collection method: clinical testing. Allele origin: germline.
Comment: This sequence change replaces glycine, which is neutral and non-polar, with tryptophan, which is neutral and slightly polar, at codon 321 of the RET protein (p.Gly321Trp). This variant is not present in population databases (gnomAD no frequency). This variant has not been reported in the literature in individuals affected with RET-related conditions. ClinVar contains an entry for this variant (Variation ID: 644076). An algorithm developed to predict the effect of missense changes on protein structure and function (PolyPhen-2) suggests that this variant is likely to be disruptive. In summary, the available evidence is currently insufficient to determine the role of this variant in disease. Therefore, it has been classified as a Variant of Uncertain Significance.

NM_020975.6(RET):c.961G>T (p.Gly321Trp)

Gene: RET (ret proto-oncogene; plus strand). Cytogenetic location: 10q11.21.
Variant type: single nucleotide variant.
Coding change: c.961G>T on transcript NM_020975.6 (MANE Select); coding-DNA position 961, G replaced by T.
Protein change: p.Gly321Trp; replaces glycine 321 with tryptophan.
Molecular consequence: missense variant.
Genome position (GRCh38, 1-based): chr10:43,106,469, G>T. VCF-style: chr10-43106469-G-T. GRCh37 (hg19) VCF-style: chr10-43601917-G-T.
Other names: c.961G>T, p.Gly321Trp (NM_000323.2, NM_001406743.1, NM_001406744.1 and 6 more transcripts); c.199G>T, p.Gly67Trp (NM_001355216.2); c.832G>T, p.Gly278Trp (NM_001406761.1, NM_001406762.1, NM_001406764.1 and 1 more transcripts); c.673G>T, p.Gly225Trp (NM_001406766.1, NM_001406767.1, NM_001406770.1); short protein forms G321W, G67W, G225W, G278W.
Identifiers: ClinVar variation 644076 (VCV000644076.9), dbSNP rs377767388, ClinGen allele CA376546113.